The following is an entry in ClinVar:

NM_024596.5(MCPH1):c.1864G>T (p.Asp622Tyr)

Gene: MCPH1 (microcephalin 1; plus strand). Cytogenetic location: 8p23.1.
Variant type: single nucleotide variant.
Coding change: c.1864G>T on transcript NM_024596.5 (MANE Select); coding-DNA position 1864, G replaced by T.
Protein change: p.Asp622Tyr; replaces aspartic acid 622 with tyrosine.
Molecular consequence: missense variant.
Genome position (GRCh38, 1-based): chr8:6,455,181, G>T. VCF-style: chr8-6455181-G-T. GRCh37 (hg19) VCF-style: chr8-6312702-G-T.
Other names: c.1864G>T, p.Asp622Tyr (NM_001322042.2, NM_001363979.1, NM_001363980.2); short protein forms D622Y.
Identifiers: ClinVar variation 592471 (VCV000592471.7), dbSNP rs201318603, ClinGen allele CA4610684.
Genomic context (GRCh38, chr8:6,455,181, plus strand): 5'-TTTTAATCCCCTTGGGTTTTAGGTGTTAAAAATAGACCAACAAGGCATGATGTTTTAGAT[G>T]ACTCATGTGACGGCTTTAAGGACCTCATCAAACCTCATGAGGAATTGAAGAAAAGTGGGA-3'
Protein context (NP_078872.3, residues 612-632): NRPTRHDVLD[Asp622Tyr]SCDGFKDLIK

ClinVar aggregate classification (germline): Uncertain significance. Review status: criteria provided, multiple submitters, no conflicts (2 of 4 stars). 3 submissions from 3 submitters: Uncertain significance (3). Last evaluated 2024-10-19.

Allele frequency attached by ClinVar (database versions not stated): ExAC 0.00007; 1000 Genomes Project 0.00020; ESP Exome Variant Server 0.00025; TOPMed 0.00038; gnomAD 0.00040 and 0.00041; 1000 Genomes Project 30x 0.00047.
gnomAD v4.1: 105 of 1,614,052 alleles (0.0065%); highest among the groups gnomAD compares: African/African-American, 0.13%; no homozygotes.

Submissions (3):

Labcorp Genetics (formerly Invitae), Labcorp
Classification: Uncertain significance. Last evaluated: 2024-10-19. Review status: criteria provided, single submitter. Criteria: Invitae Variant Classification Sherloc (09022015). Collection method: clinical testing. Allele origin: germline.
Comment: This sequence change replaces aspartic acid, which is acidic and polar, with tyrosine, which is neutral and polar, at codon 622 of the MCPH1 protein (p.Asp622Tyr). This variant is present in population databases (rs201318603, gnomAD 0.1%). This variant has not been reported in the literature in individuals affected with MCPH1-related conditions. ClinVar contains an entry for this variant (Variation ID: 592471). Invitae Evidence Modeling of protein sequence and biophysical properties (such as structural, functional, and spatial information, amino acid conservation, physicochemical variation, residue mobility, and thermodynamic stability) indicates that this missense variant is not expected to disrupt MCPH1 protein function with a negative predictive value of 80%. In summary, the available evidence is currently insufficient to determine the role of this variant in disease. Therefore, it has been classified as a Variant of Uncertain Significance.

Eurofins Ntd Llc (ga)
Classification: Uncertain significance. Last evaluated: 2018-06-11. Review status: criteria provided, single submitter. Criteria: EGL ClinVar v180209 classification definitions. Collection method: clinical testing. Allele origin: germline. Observed: 1 variant allele, 1 heterozygote.

Breakthrough Genomics
Classification: Uncertain significance. Review status: criteria provided, single submitter. Criteria: ACMG Guidelines, 2015. Collection method: not provided. Allele origin: germline. Inheritance: Autosomal recessive inheritance. Affected: yes.